The following is an entry in ClinVar:

NM_003718.5(CDK13):c.703CACAGC[1] (p.235HS[1])

Gene: CDK13 (cyclin dependent kinase 13; plus strand). Cytogenetic location: 7p14.1.
Variant type: Microsatellite.
Coding change: c.703CACAGC[1] on transcript NM_003718.5 (MANE Select); one copy of the 6-base unit CACAGC starting at c.703; the reference has two copies in a row; one copy, 6 bases deleted.
Protein change: p.235HS[1].
Molecular consequence: inframe indel (on NM_031267.4).
Genome position (GRCh38, 1-based): chr7:39,951,350-39,951,355, CACAGC deleted; deleting any 6 consecutive bases within chr7:39,951,342-39,951,355 gives the same sequence; the position shown is the placement nearest the transcript's 3' end. VCF-style (leftmost placement, unchanged base first): chr7-39951341-CGCCACA-C. GRCh37 (hg19) VCF-style: chr7-39990940-CGCCACA-C.
Other names: c.703_708CACAGC[1], p.His237_Ser238del (NM_031267.4).
Identifiers: ClinVar variation 2868023 (VCV002868023.3), dbSNP rs1309927319, ClinGen allele CA574230814.

ClinVar aggregate classification (germline): Uncertain significance (1 of 4 stars; one submission).

Submission:

Labcorp Genetics (formerly Invitae), Labcorp
Classification: Uncertain significance. Last evaluated: 2025-05-30. Review status: criteria provided, single submitter. Criteria: Invitae Variant Classification Sherloc (09022015). Collection method: clinical testing. Allele origin: germline.
Comment: This variant, c.709_714del, results in the deletion of 2 amino acid(s) of the CDK13 protein (p.His237_Ser238del), but otherwise preserves the integrity of the reading frame. This variant is present in population databases (no rsID available, gnomAD 0.02%). This variant has not been reported in the literature in individuals affected with CDK13-related conditions. Experimental studies and prediction algorithms are not available or were not evaluated, and the functional significance of this variant is currently unknown. In summary, the available evidence is currently insufficient to determine the role of this variant in disease. Therefore, it has been classified as a Variant of Uncertain Significance.